The following is an entry in ClinVar:

ClinVar aggregate classification (germline): Uncertain significance (1 of 4 stars; one submission).

Submission:

Labcorp Genetics (formerly Invitae), Labcorp
Classification: Uncertain significance. Last evaluated: 2021-11-24. Review status: criteria provided, single submitter. Criteria: Invitae Variant Classification Sherloc (09022015). Collection method: clinical testing. Allele origin: germline.
Comment: This sequence change replaces aspartic acid, which is acidic and polar, with alanine, which is neutral and non-polar, at codon 3374 of the VPS13C protein (p.Asp3374Ala). This variant is not present in population databases (gnomAD no frequency). This variant has not been reported in the literature in individuals affected with VPS13C-related conditions. Algorithms developed to predict the effect of missense changes on protein structure and function (SIFT, PolyPhen-2, Align-GVGD) all suggest that this variant is likely to be disruptive. In summary, the available evidence is currently insufficient to determine the role of this variant in disease. Therefore, it has been classified as a Variant of Uncertain Significance.

NM_020821.3(VPS13C):c.10121A>C (p.Asp3374Ala)

Gene: VPS13C (vacuolar protein sorting 13 homolog C; minus strand). Cytogenetic location: 15q22.2.
Variant type: single nucleotide variant.
Coding change: c.10121A>C on transcript NM_020821.3 (MANE Select); coding-DNA position 10121, A replaced by C.
Protein change: p.Asp3374Ala; replaces aspartic acid 3374 with alanine.
Molecular consequence: missense variant.
Genome position (GRCh38, 1-based): chr15:61,878,628, T>G on the plus strand (A>C on the coding strand, the complement: VPS13C is on the minus strand). VCF-style: chr15-61878628-T-G. GRCh37 (hg19) VCF-style: chr15-62170827-T-G.
Other names: c.10121A>C, p.Asp3374Ala (NM_001018088.3); c.9992A>C, p.Asp3331Ala (NM_017684.5, NM_018080.4); short protein forms D3374A, D3331A.
Identifiers: ClinVar variation 1495686 (VCV001495686.6), dbSNP rs2140897516, ClinGen allele CA392672046.
Genomic context (GRCh38, chr15:61,878,628, plus strand): 5'-GTACACCTGCTTCTCAATGTACTCTAACAGAAGTCTTACTTGAATATAAGGTCATCCACA[T>G]CAGTCAGAGTAGCACCTATGCTTTTCAACAGCAAGTTGACAGAATGAACTGCAAACATTT-3'
Protein context (NP_065872.1, residues 3364-3384): LLKSIGATLT[Asp3374Ala]VDDLIFKLAY